The following is an entry in ClinVar:

NM_006929.5(SKIC2):c.3234del (p.Arg1079fs)

Gene: SKIC2 (SKI2 subunit of superkiller complex; plus strand). Cytogenetic location: 6p21.33.
Variant type: Deletion.
Coding change: c.3234del on transcript NM_006929.5 (MANE Select); coding-DNA position 3234, one base deleted (G; older notation c.3234delG).
Protein change: p.Arg1079fs; shifts the reading frame from arginine 1079.
Molecular consequence: frameshift variant.
Genome position (GRCh38, 1-based): chr6:31,968,924, G deleted; the last of 3 consecutive G bases (chr6:31,968,922-31,968,924); deleting any one gives the same sequence. VCF-style (leftmost placement, unchanged base first): chr6-31968921-AG-A. GRCh37 (hg19) VCF-style: chr6-31936698-AG-A.
Other names: short protein forms R1079fs.
Identifiers: ClinVar variation 2709650 (VCV002709650.3), dbSNP rs2483004287, ClinGen allele CA2697546678.

ClinVar aggregate classification (germline): Pathogenic (1 of 4 stars; one submission).

Submission:

Labcorp Genetics (formerly Invitae), Labcorp
Classification: Pathogenic. Last evaluated: 2024-01-16. Review status: criteria provided, single submitter. Criteria: Invitae Variant Classification Sherloc (09022015). Collection method: clinical testing. Allele origin: germline.
Comment: This sequence change creates a premature translational stop signal (p.Arg1079Glyfs*6) in the SKIV2L gene. It is expected to result in an absent or disrupted protein product. Loss-of-function variants in SKIV2L are known to be pathogenic (PMID: 22444670). This variant is not present in population databases (gnomAD no frequency). This variant has not been reported in the literature in individuals affected with SKIV2L-related conditions. For these reasons, this variant has been classified as Pathogenic.

Literature cited by the submitters: PubMed 22444670.